The following is an entry in ClinVar:

NM_000535.7(PMS2):c.2501T>A (p.Met834Lys)

Gene: PMS2 (PMS1 homolog 2, mismatch repair system component; minus strand). Cytogenetic location: 7p22.1.
Variant type: single nucleotide variant.
Coding change: c.2501T>A on transcript NM_000535.7 (MANE Select); coding-DNA position 2501, T replaced by A.
Protein change: p.Met834Lys; replaces methionine 834 with lysine.
Molecular consequence: missense variant. On other transcripts: non-coding transcript variant (1).
Genome position (GRCh38, 1-based): chr7:5,973,487, A>T on the plus strand (T>A on the coding strand, the complement: PMS2 is on the minus strand). VCF-style: chr7-5973487-A-T. GRCh37 (hg19) VCF-style: chr7-6013118-A-T.
Other names: c.2393T>A, p.Met798Lys (NM_001406869.1); c.2378T>A, p.Met793Lys (NM_001406870.1); c.2357T>A, p.Met786Lys (NM_001406871.1); c.2333T>A, p.Met778Lys (NM_001406872.1, NM_001406874.1); c.2303T>A, p.Met768Lys (NM_001406873.1); c.2225T>A, p.Met742Lys (NM_001406875.1); c.2216T>A, p.Met739Lys (NM_001406876.1); c.2192T>A, p.Met731Lys (NM_001406877.1, NM_001406878.1, NM_001322015.2 and 4 more transcripts); and 20 more; short protein forms M433K, M643K, M647K, M699K, M726K, M731K, M739K, M768K.
Identifiers: ClinVar variation 2904881 (VCV002904881.3), dbSNP rs2128658183, ClinGen allele CA366734925.

ClinVar aggregate classification (germline): Uncertain significance (1 of 4 stars; one submission).

Conditions:
Hereditary nonpolyposis colorectal neoplasms. Identifiers: MedGen C0009405, MeSH D003123.

Submission:

Labcorp Genetics (formerly Invitae), Labcorp
Classification: Uncertain significance for Hereditary nonpolyposis colorectal neoplasms. Last evaluated: 2023-09-27. Review status: criteria provided, single submitter. Criteria: Invitae Variant Classification Sherloc (09022015). Collection method: clinical testing. Allele origin: germline.
Comment: This sequence change replaces methionine, which is neutral and non-polar, with lysine, which is basic and polar, at codon 834 of the PMS2 protein (p.Met834Lys). The frequency data for this variant in the population databases (gnomAD) is considered unreliable due to the presence of homologous sequence, such as pseudogenes or paralogs, in the genome. This variant has not been reported in the literature in individuals affected with PMS2-related conditions. Advanced modeling of protein sequence and biophysical properties (such as structural, functional, and spatial information, amino acid conservation, physicochemical variation, residue mobility, and thermodynamic stability) performed at Invitae indicates that this missense variant is expected to disrupt PMS2 protein function. In summary, the available evidence is currently insufficient to determine the role of this variant in disease. Therefore, it has been classified as a Variant of Uncertain Significance.